The following is an entry in ClinVar:

NM_001849.4(COL6A2):c.2884C>A (p.His962Asn)

Gene: COL6A2 (collagen type VI alpha 2 chain; plus strand). Cytogenetic location: 21q22.3.
Variant type: single nucleotide variant.
Coding change: c.2884C>A on transcript NM_001849.4 (MANE Select); coding-DNA position 2884, C replaced by A.
Protein change: p.His962Asn; replaces histidine 962 with asparagine.
Molecular consequence: missense variant.
Genome position (GRCh38, 1-based): chr21:46,132,376, C>A. VCF-style: chr21-46132376-C-A. GRCh37 (hg19) VCF-style: chr21-47552290-C-A.
Other names: short protein forms H962N.
Identifiers: ClinVar variation 943690 (VCV000943690.10), dbSNP rs373184224, ClinGen allele CA410549933.
Genomic context (GRCh38, chr21:46,132,376, plus strand): 5'-CTGTCCTTCGTGTTCCTCACGGACGGCGTCACGGGCAACGACAGTCTGCACGAGTCGGCG[C>A]ACTCCATGCGCAAGCAGAACGTGGTACCCACCGTGCTGGCCTTGGGCAGCGACGTGGACA-3'
Protein context (NP_001840.3, residues 952-972): TGNDSLHESA[His962Asn]SMRKQNVVPT

ClinVar aggregate classification (germline): Uncertain significance (1 of 4 stars; one submission).

Conditions:
Bethlem myopathy 1A. Also called: Bethlem Muscular Dystrophy; MYOPATHY, BENIGN CONGENITAL, WITH CONTRACTURES; Bethlem myopathy 1. Identifiers: Orphanet 610, MedGen CN029274, MONDO:0024530, OMIM 158810.

Submission:

Labcorp Genetics (formerly Invitae), Labcorp
Classification: Uncertain significance for Bethlem myopathy 1A. Last evaluated: 2019-09-28. Review status: criteria provided, single submitter. Criteria: Invitae Variant Classification Sherloc (09022015). Collection method: clinical testing. Allele origin: germline.
Comment: In summary, the available evidence is currently insufficient to determine the role of this variant in disease. Therefore, it has been classified as a Variant of Uncertain Significance. Algorithms developed to predict the effect of missense changes on protein structure and function (SIFT, PolyPhen-2, Align-GVGD) all suggest that this variant is likely to be tolerated, but these predictions have not been confirmed by published functional studies and their clinical significance is uncertain. This variant has not been reported in the literature in individuals with COL6A2-related conditions. This variant is not present in population databases (ExAC no frequency). This sequence change replaces histidine with asparagine at codon 962 of the COL6A2 protein (p.His962Asn). The histidine residue is weakly conserved and there is a small physicochemical difference between histidine and asparagine.